The following is an entry in ClinVar:

NM_016188.5(ACTL6B):c.694C>G (p.Pro232Ala)

Gene: ACTL6B (actin like 6B; minus strand). Cytogenetic location: 7q22.1.
Variant type: single nucleotide variant.
Coding change: c.694C>G on transcript NM_016188.5 (MANE Select); coding-DNA position 694, C replaced by G.
Protein change: p.Pro232Ala; replaces proline 232 with alanine.
Molecular consequence: missense variant. On other transcripts: non-coding transcript variant (1).
Genome position (GRCh38, 1-based): chr7:100,647,509, G>C on the plus strand (C>G on the coding strand, the complement: ACTL6B is on the minus strand). VCF-style: chr7-100647509-G-C. GRCh37 (hg19) VCF-style: chr7-100245132-G-C.
Other names: short protein forms P232A.
Identifiers: ClinVar variation 5007111 (VCV005007111.2).

ClinVar aggregate classification (germline): Uncertain significance (1 of 4 stars; one submission).

Conditions:
Developmental and epileptic encephalopathy, 76. Also called: EPILEPTIC ENCEPHALOPATHY, EARLY INFANTILE, 76; DEVELOPMENTAL DELAY, EPILEPTIC ENCEPHALOPATHY, CEREBRAL ATROPHY, AND ABNORMAL MYELINATION. Identifiers: MedGen C5193113, MONDO:0032768, OMIM 618468.
Intellectual developmental disorder with severe speech and ambulation defects. Identifiers: MedGen C5193115, MONDO:0032770, OMIM 618470.

gnomAD v4.1: 135 of 1,608,000 alleles (0.0084%); highest among the groups gnomAD compares: East Asian, 0.18%; no homozygotes.

Submission:

Juno Genomics, Hangzhou Juno Genomics, Inc
Classification: Uncertain significance for Developmental and epileptic encephalopathy, 76; Intellectual developmental disorder with severe speech and ambulation defects. Review status: criteria provided, single submitter. Criteria: ACMG Guidelines, 2015. Collection method: clinical testing. Allele origin: germline.
Comment: Absent from controls (or at extremely low frequency if recessive) in Genome Aggregation Database.;Missense variant in a gene that has a low rate of benign missense variation.